The following is an entry in ClinVar:

ClinVar aggregate classification (germline): Uncertain significance (1 of 4 stars; one submission).

Conditions:
Cardiovascular phenotype. Identifiers: MedGen CN230736.

Submission:

Ambry Genetics
Classification: Uncertain significance for Cardiovascular phenotype. Last evaluated: 2025-04-05. Review status: criteria provided, single submitter. Criteria: Ambry Variant Classification Scheme 2023. Collection method: clinical testing. Allele origin: germline.
Comment: The p.T128S variant (also known as c.382A>T), located in coding exon 2 of the JPH2 gene, results from an A to T substitution at nucleotide position 382. The threonine at codon 128 is replaced by serine, an amino acid with similar properties. This amino acid position is conserved. In addition, this alteration is predicted to be tolerated by in silico analysis. Based on the available evidence, the clinical significance of this variant remains unclear.

NM_020433.5(JPH2):c.382A>T (p.Thr128Ser)

Gene: JPH2 (junctophilin 2; minus strand). Cytogenetic location: 20q13.12.
Variant type: single nucleotide variant.
Coding change: c.382A>T on transcript NM_020433.5 (MANE Select); coding-DNA position 382, A replaced by T.
Protein change: p.Thr128Ser; replaces threonine 128 with serine.
Molecular consequence: missense variant.
Genome position (GRCh38, 1-based): chr20:44,160,405, T>A on the plus strand (A>T on the coding strand, the complement: JPH2 is on the minus strand). VCF-style: chr20-44160405-T-A. GRCh37 (hg19) VCF-style: chr20-42789045-T-A.
Other names: short protein forms T128S.
Identifiers: ClinVar variation 4040896 (VCV004040896.1).